The following is an entry in ClinVar:

NM_004817.4(TJP2):c.1499C>T (p.Pro500Leu)

Gene: TJP2 (tight junction protein 2; plus strand). Cytogenetic location: 9q21.11.
Variant type: single nucleotide variant.
Coding change: c.1499C>T on transcript NM_004817.4 (MANE Select); coding-DNA position 1499, C replaced by T.
Protein change: p.Pro500Leu; replaces proline 500 with leucine.
Molecular consequence: missense variant.
Genome position (GRCh38, 1-based): chr9:69,229,229, C>T. VCF-style: chr9-69229229-C-T. GRCh37 (hg19) VCF-style: chr9-71844145-C-T.
Other names: p.Pro500Leu; c.1430C>T, p.Pro477Leu (NM_001170414.2, NM_001369871.1); c.1511C>T, p.Pro504Leu (NM_001170415.1, NM_001369874.1, NM_001369875.1); c.1592C>T, p.Pro531Leu (NM_001170416.2); c.1424C>T, p.Pro475Leu (NM_001369870.1); c.1499C>T, p.Pro500Leu (NM_001369872.1, NM_001369873.1, NM_201629.3); c.1499C>T (NM_004817.3); short protein forms P475L, P477L, P500L, P504L, P531L.
Identifiers: ClinVar variation 2683046 (VCV002683046.6), dbSNP rs147315517, ClinGen allele CA5073330.

ClinVar aggregate classification (germline): Uncertain significance. Review status: criteria provided, multiple submitters, no conflicts (2 of 4 stars). 6 submissions from 6 submitters: Uncertain significance (6). Last evaluated 2026-08-01.

Conditions:
Inborn genetic diseases. Identifiers: MedGen C0950123, MeSH D030342.
TJP2-related disorder. Also called: TJP2-related condition.

Allele frequency attached by ClinVar (database versions not stated): gnomAD exomes below 0.00001; ExAC 0.00002; gnomAD 0.00005; TOPMed 0.00009; ESP Exome Variant Server 0.00015.
gnomAD v4.1: 11 of 1,613,994 alleles (0.00068%); highest among the groups gnomAD compares: African/African-American, 0.011%; no homozygotes.

Submissions (6):

CeGaT Center for Human Genetics Tuebingen
Classification: Uncertain significance. Last evaluated: 2026-08-01. Review status: criteria provided, single submitter. Criteria: CeGaT Center For Human Genetics Tuebingen Variant Classification Criteria Version 2. Collection method: clinical testing. Allele origin: germline. Affected: yes. Observed: 1 variant allele.
Comment: TJP2: PM2

PreventionGenetics, part of Exact Sciences
Classification: Uncertain significance for TJP2-related condition. Last evaluated: 2026-02-27. Review status: criteria provided, single submitter. Criteria: ACMG Guidelines, 2015. Collection method: clinical testing. Allele origin: germline.
Comment: The TJP2 c.1499C>T variant is predicted to result in the amino acid substitution p.Pro500Leu. To our knowledge, this variant has not been reported in the literature. This variant is reported in 0.012% of alleles in individuals of African descent in gnomAD. At this time, the clinical significance of this variant is uncertain due to the absence of conclusive functional and genetic evidence.

Ambry Genetics
Classification: Uncertain significance for Inborn genetic diseases. Last evaluated: 2024-07-30. Review status: criteria provided, single submitter. Criteria: Ambry Variant Classification Scheme 2023. Collection method: clinical testing. Allele origin: germline.

Labcorp Genetics (formerly Invitae), Labcorp
Classification: Uncertain significance. Last evaluated: 2024-03-12. Review status: criteria provided, single submitter. Criteria: Invitae Variant Classification Sherloc (09022015). Collection method: clinical testing. Allele origin: germline.
Comment: This sequence change replaces proline, which is neutral and non-polar, with leucine, which is neutral and non-polar, at codon 500 of the TJP2 protein (p.Pro500Leu). This variant is present in population databases (rs147315517, gnomAD 0.008%). This variant has not been reported in the literature in individuals affected with TJP2-related conditions. Advanced modeling of protein sequence and biophysical properties (such as structural, functional, and spatial information, amino acid conservation, physicochemical variation, residue mobility, and thermodynamic stability) performed at Invitae indicates that this missense variant is not expected to disrupt TJP2 protein function with a negative predictive value of 80%. In summary, the available evidence is currently insufficient to determine the role of this variant in disease. Therefore, it has been classified as a Variant of Uncertain Significance.

GeneDx
Classification: Uncertain significance. Last evaluated: 2023-11-28. Review status: criteria provided, single submitter. Criteria: GeneDx Variant Classification Process June 2021. Collection method: clinical testing. Allele origin: germline. Affected: yes.
Comment: In silico analysis supports that this missense variant has a deleterious effect on protein structure/function; Has not been previously published as pathogenic or benign to our knowledge

Mayo Clinic Laboratories, Mayo Clinic
Classification: Uncertain significance. Last evaluated: 2023-02-09. Review status: criteria provided, single submitter. Criteria: ACMG Guidelines, 2015. Collection method: clinical testing. Allele origin: germline. Observed: 2 variant alleles.
Comment: BP4, PM2